The following is an entry in ClinVar:

NM_003999.3(OSMR):c.461A>C (p.Lys154Thr)

Gene: OSMR (oncostatin M receptor; plus strand). Cytogenetic location: 5p13.1.
Variant type: single nucleotide variant.
Coding change: c.461A>C on transcript NM_003999.3 (MANE Select); coding-DNA position 461, A replaced by C.
Protein change: p.Lys154Thr; replaces lysine 154 with threonine.
Molecular consequence: missense variant.
Genome position (GRCh38, 1-based): chr5:38,883,869, A>C. VCF-style: chr5-38883869-A-C. GRCh37 (hg19) VCF-style: chr5-38883971-A-C.
Other names: c.461A>C, p.Lys154Thr (NM_001168355.3, NM_001323504.2, NM_001323505.2 and 2 more transcripts); short protein forms K154T.
Identifiers: ClinVar variation 2353915 (VCV002353915.5), dbSNP rs747403471, ClinGen allele CA3243777.

ClinVar aggregate classification (germline): Uncertain significance. Review status: criteria provided, single submitter (1 of 4 stars). 2 submissions from 2 submitters: Uncertain significance (1). 1 of the submissions does not count toward it. Last evaluated 2025-05-14.

Conditions:
Inborn genetic diseases. Identifiers: MedGen C0950123, MeSH D030342.
OSMR-related disorder. Also called: OSMR-related condition.

Allele frequency attached by ClinVar (database versions not stated): gnomAD 0.00004; TOPMed 0.00007; ExAC 0.00007; gnomAD exomes 0.00006.
gnomAD v4.1: 42 of 1,613,612 alleles (0.0026%); highest among the groups gnomAD compares: Admixed American, 0.07%; no homozygotes.

Submissions (2):

Ambry Genetics
Classification: Uncertain significance for Inborn genetic diseases. Last evaluated: 2025-05-14. Review status: criteria provided, single submitter. Criteria: Ambry Variant Classification Scheme 2023. Collection method: clinical testing. Allele origin: germline.

PreventionGenetics, part of Exact Sciences
Classification: Likely benign for OSMR-related condition. Last evaluated: 2022-03-18. Review status: no assertion criteria provided. Collection method: clinical testing. Allele origin: germline. Not counted in ClinVar's aggregate classification.
Comment: This variant is classified as likely benign based on ACMG/AMP sequence variant interpretation guidelines (Richards et al. 2015 PMID: 25741868, with internal and published modifications).